The following is an entry in ClinVar:

ClinVar aggregate classification (germline): Uncertain significance (1 of 4 stars; one submission).

Submission:

GeneDx
Classification: Uncertain significance. Last evaluated: 2026-03-27. Review status: criteria provided, single submitter. Criteria: GeneDx Variant Classification Process June 2021. Collection method: clinical testing. Allele origin: germline.
Comment: Not observed at significant frequency in large population cohorts (gnomAD); In silico analysis suggests that this missense variant does not alter protein structure/function; Has not been previously published as pathogenic or benign to our knowledge

NM_014363.6(SACS):c.1431A>G (p.Ile477Met)

Gene: SACS (sacsin molecular chaperone; minus strand). Cytogenetic location: 13q12.12.
Variant type: single nucleotide variant.
Coding change: c.1431A>G on transcript NM_014363.6 (MANE Select); coding-DNA position 1431, A replaced by G.
Protein change: p.Ile477Met; replaces isoleucine 477 with methionine.
Molecular consequence: missense variant.
Genome position (GRCh38, 1-based): chr13:23,355,181, T>C on the plus strand (A>G on the coding strand, the complement: SACS is on the minus strand). VCF-style: chr13-23355181-T-C. GRCh37 (hg19) VCF-style: chr13-23929320-T-C.
Other names: c.990A>G, p.Ile330Met (NM_001278055.2); c.1431A>G, p.Ile477Met (NM_001437336.1); short protein forms I330M, I477M.
Identifiers: ClinVar variation 5017779 (VCV005017779.1).